The following is an entry in ClinVar:

NC_000008.11:g.(?_1771035)_(1780587_?)del

Gene: CLN8 (CLN8 transmembrane ER and ERGIC protein; plus strand). Cytogenetic location: 8p23.3.
Variant type: Deletion.
Identifiers: ClinVar variation 457933 (VCV000457933.3).

ClinVar aggregate classification (germline): Pathogenic (1 of 4 stars; one submission).

Conditions:
Neuronal ceroid lipofuscinosis. Also called: Neuronal Ceroid Lipofuscinoses. Identifiers: Orphanet 216, Orphanet 79263, MedGen C0027877, MONDO:0016295. Disease mechanism: loss of function.

Submission:

Labcorp Genetics (formerly Invitae), Labcorp
Classification: Pathogenic for Neuronal ceroid lipofuscinosis. Last evaluated: 2019-12-02. Review status: criteria provided, single submitter. Criteria: Invitae Variant Classification Sherloc (09022015). Collection method: clinical testing. Allele origin: germline.
Comment: A gross deletion of the genomic region encompassing the full coding sequence of the CLN8 gene has been identified. The boundaries of this event are unknown as the deletion extends beyond the assayed region for this gene and therefore may encompass additional genes. Similar deletions have been observed in individuals with neuronal ceroid lipofuscinoses (PMID: 28116333). Loss-of-function variants in CLN8 are known to be pathogenic (PMID: 15024724). For these reasons, this variant has been classified as Pathogenic.

Literature cited by the submitters: PubMed 28116333.